The following is an entry in ClinVar:

ClinVar aggregate classification (germline): Uncertain significance (1 of 4 stars; one submission).

Conditions:
Pityriasis rubra pilaris (PRP). Also called: Pityriasis rubra pilaris--familial type. Identifiers: Orphanet 2897, MedGen C0032027, MONDO:0100017, OMIM 173200, MONDO:0008251.
Psoriasis 2. Identifiers: MedGen C1864497, MONDO:0011269, OMIM 602723.

Allele frequency attached by ClinVar (database versions not stated): ExAC 0.00001; gnomAD exomes 0.00001.
gnomAD v4.1: 18 of 1,574,688 alleles (0.0011%); highest among the groups gnomAD compares: Admixed American, 0.0038%; no homozygotes.

Submission:

Labcorp Genetics (formerly Invitae), Labcorp
Classification: Uncertain significance for Pityriasis rubra pilaris; Psoriasis 2. Last evaluated: 2025-06-22. Review status: criteria provided, single submitter. Criteria: Invitae Variant Classification Sherloc (09022015). Collection method: clinical testing. Allele origin: germline.
Comment: This sequence change replaces alanine, which is neutral and non-polar, with valine, which is neutral and non-polar, at codon 282 of the CARD14 protein (p.Ala282Val). The frequency data for this variant in the population databases is considered unreliable, as metrics indicate poor data quality at this position in the gnomAD database. This variant has not been reported in the literature in individuals affected with CARD14-related conditions. ClinVar contains an entry for this variant (Variation ID: 1417079). Invitae Evidence Modeling of protein sequence and biophysical properties (such as structural, functional, and spatial information, amino acid conservation, physicochemical variation, residue mobility, and thermodynamic stability) indicates that this missense variant is not expected to disrupt CARD14 protein function with a negative predictive value of 95%. In summary, the available evidence is currently insufficient to determine the role of this variant in disease. Therefore, it has been classified as a Variant of Uncertain Significance.

NM_001366385.1(CARD14):c.845C>T (p.Ala282Val)

Gene: CARD14 (caspase recruitment domain family member 14; plus strand). Cytogenetic location: 17q25.3.
Variant type: single nucleotide variant.
Coding change: c.845C>T on transcript NM_001366385.1 (MANE Select); coding-DNA position 845, C replaced by T.
Protein change: p.Ala282Val; replaces alanine 282 with valine.
Molecular consequence: missense variant. On other transcripts: non-coding transcript variant (1).
Genome position (GRCh38, 1-based): chr17:80,189,754, C>T. VCF-style: chr17-80189754-C-T. GRCh37 (hg19) VCF-style: chr17-78163553-C-T.
Other names: c.845C>T, p.Ala282Val (NM_001257970.1, NM_024110.4); c.134C>T, p.Ala45Val (NM_052819.3); short protein forms A45V, A282V.
Identifiers: ClinVar variation 1417079 (VCV001417079.8), dbSNP rs777532053, ClinGen allele CA8816553.
Genomic context (GRCh38, chr17:80,189,754, plus strand): 5'-TTGCCTAGGGCAGGCCTCTGGGGAAGCCAGCACCCCAGGCTGACCTCTCTCTGCCCCAGG[C>T]GGAGAAGGACATTCTGGAGCAGAGCCTGGACGAGGCGCGGGGGAGCCGACAGGAGCTGGT-3'
Protein context (NP_001353314.1, residues 272-292): EKLRSLTFSL[Ala282Val]EKDILEQSLD